The following is an entry in ClinVar:

ClinVar aggregate classification (germline): Likely pathogenic (1 of 4 stars; one submission).

Conditions:
Intellectual disability, autosomal dominant 14 (CSS2). Also called: COFFIN-SIRIS SYNDROME 2. Identifiers: Orphanet 1465, MedGen C3553247, MONDO:0013819, OMIM 614607.

Submission:

Baylor Genetics
Classification: Likely pathogenic for Intellectual disability, autosomal dominant 14. Last evaluated: 2020-05-21. Review status: criteria provided, single submitter. Criteria: ACMG Guidelines, 2015. Collection method: clinical testing. Allele origin: de novo. Affected: yes.
Comment: This variant was determined to be likely pathogenic according to ACMG Guidelines, 2015 [PMID:25741868].

NM_006015.6(ARID1A):c.5963T>C (p.Ile1988Thr)

Gene: ARID1A (AT-rich interaction domain 1A; plus strand). Cytogenetic location: 1p36.11.
Variant type: single nucleotide variant.
Coding change: c.5963T>C on transcript NM_006015.6 (MANE Select); coding-DNA position 5963, T replaced by C.
Protein change: p.Ile1988Thr; replaces isoleucine 1988 with threonine.
Molecular consequence: missense variant.
Genome position (GRCh38, 1-based): chr1:26,779,861, T>C. VCF-style: chr1-26779861-T-C. GRCh37 (hg19) VCF-style: chr1-27106352-T-C.
Other names: c.5312T>C, p.Ile1771Thr (NM_139135.4); short protein forms I1771T, I1988T.
Identifiers: ClinVar variation 1028997 (VCV001028997.1), dbSNP rs2081174839, ClinGen allele CA339189192.